The following is an entry in ClinVar:

NM_022132.5(MCCC2):c.1282G>A (p.Ala428Thr)

Gene: MCCC2 (methylcrotonyl-CoA carboxylase subunit 2; plus strand). Cytogenetic location: 5q13.2.
Variant type: single nucleotide variant.
Coding change: c.1282G>A on transcript NM_022132.5 (MANE Select); coding-DNA position 1282, G replaced by A.
Protein change: p.Ala428Thr; replaces alanine 428 with threonine.
Molecular consequence: missense variant.
Genome position (GRCh38, 1-based): chr5:71,649,162, G>A. VCF-style: chr5-71649162-G-A. GRCh37 (hg19) VCF-style: chr5-70944989-G-A.
Other names: c.1168G>A, p.Ala390Thr (NM_001363147.1); short protein forms A428T, A390T.
Identifiers: ClinVar variation 569797 (VCV000569797.8), dbSNP rs371374378, ClinGen allele CA3298098.

ClinVar aggregate classification (germline): Uncertain significance. Review status: criteria provided, multiple submitters, no conflicts (2 of 4 stars). 4 submissions from 4 submitters: Uncertain significance (3). 1 of the submissions does not count toward it. Last evaluated 2025-01-27.

Conditions:
Inborn genetic diseases. Identifiers: MedGen C0950123, MeSH D030342.
Methylcrotonyl-CoA carboxylase deficiency. Also called: 3-MCC Deficiency; 3 Methylcrotonylglycinuria; Deficiency of methylcrotonoyl-CoA carboxylase. Identifiers: Orphanet 6, MedGen C4551505, MONDO:0018950.
3-methylcrotonyl-CoA carboxylase 2 deficiency. Also called: METHYLCROTONYLGLYCINURIA, TYPE II; 3 alpha methylcrotonyl-CoA carboxylase 2 deficiency; 3 alpha methylcrotonylglycinuria 2; MCC 2 deficiency; Methylcrotonylglycinuria type 2. Identifiers: Orphanet 6, MedGen C1859499, MONDO:0008862, OMIM 210210.

Allele frequency attached by ClinVar (database versions not stated): ExAC 0.00005; gnomAD exomes 0.00006; TOPMed 0.00006; ESP Exome Variant Server 0.00008; gnomAD 0.00011.
gnomAD v4.1: 100 of 1,614,038 alleles (0.0062%); highest among the groups gnomAD compares: Non-Finnish European, 0.0069%; 1 homozygote.

Submissions (4):

Labcorp Genetics (formerly Invitae), Labcorp
Classification: Uncertain significance for 3-methylcrotonyl-CoA carboxylase 2 deficiency. Last evaluated: 2025-01-27. Review status: criteria provided, single submitter. Criteria: Invitae Variant Classification Sherloc (09022015). Collection method: clinical testing. Allele origin: germline.
Comment: This sequence change replaces alanine, which is neutral and non-polar, with threonine, which is neutral and polar, at codon 428 of the MCCC2 protein (p.Ala428Thr). This variant is present in population databases (rs371374378, gnomAD 0.03%). This variant has not been reported in the literature in individuals affected with MCCC2-related conditions. ClinVar contains an entry for this variant (Variation ID: 569797). Invitae Evidence Modeling of protein sequence and biophysical properties (such as structural, functional, and spatial information, amino acid conservation, physicochemical variation, residue mobility, and thermodynamic stability) has been performed for this missense variant. However, the output from this modeling did not meet the statistical confidence thresholds required to predict the impact of this variant on MCCC2 protein function. In summary, the available evidence is currently insufficient to determine the role of this variant in disease. Therefore, it has been classified as a Variant of Uncertain Significance.

Ambry Genetics
Classification: Uncertain significance for Inborn genetic diseases. Last evaluated: 2024-07-22. Review status: criteria provided, single submitter. Criteria: Ambry Variant Classification Scheme 2023. Collection method: clinical testing. Allele origin: germline.

Revvity Omics, Revvity
Classification: Uncertain significance for 3-methylcrotonyl-CoA carboxylase 2 deficiency. Last evaluated: 2024-01-09. Review status: criteria provided, single submitter. Criteria: ACMG Guidelines, 2015. Collection method: clinical testing. Allele origin: germline.

Natera, Inc.
Classification: Uncertain significance for 3-methylcrotonylglycinuria. Last evaluated: 2020-09-16. Review status: no assertion criteria provided. Collection method: clinical testing. Allele origin: germline. Not counted in ClinVar's aggregate classification.